The following is an entry in ClinVar:

NM_001854.4(COL11A1):c.4691A>G (p.Asp1564Gly)

Gene: COL11A1 (collagen type XI alpha 1 chain; minus strand). Cytogenetic location: 1p21.1.
Variant type: single nucleotide variant.
Coding change: c.4691A>G on transcript NM_001854.4 (MANE Select); coding-DNA position 4691, A replaced by G.
Protein change: p.Asp1564Gly; replaces aspartic acid 1564 with glycine.
Molecular consequence: missense variant. On other transcripts: non-coding transcript variant (1).
Genome position (GRCh38, 1-based): chr1:102,886,974, T>C on the plus strand (A>G on the coding strand, the complement: COL11A1 is on the minus strand). VCF-style: chr1-102886974-T-C. GRCh37 (hg19) VCF-style: chr1-103352530-T-C.
Other names: c.4574A>G, p.Asp1525Gly (NM_001190709.2); c.4727A>G, p.Asp1576Gly (NM_080629.3); c.4343A>G, p.Asp1448Gly (NM_080630.4); short protein forms D1448G, D1525G, D1564G, D1576G.
Identifiers: ClinVar variation 1065092 (VCV001065092.3), dbSNP rs2100840741, ClinGen allele CA341212071.

ClinVar aggregate classification (germline): Uncertain significance (1 of 4 stars; one submission).

Conditions:
Hearing impairment. Also called: Impaired Hearing. Identifiers: MedGen C1384666, MONDO:0005365, HP:0000365.

Submission:

Department of Otolaryngology – Head & Neck Surgery, Cochlear Implant Center
Classification: Uncertain significance for Hearing impairment. Last evaluated: 2021-04-12. Review status: criteria provided, single submitter. Criteria: ClinGen HL ACMG Specifications v1. Collection method: clinical testing. Allele origin: germline. Affected: yes.
Comment: PM2_Moderate